The following is an entry in ClinVar:

NM_017780.4(CHD7):c.7936dup (p.Arg2646fs)

Gene: CHD7 (chromodomain helicase DNA binding protein 7; plus strand). Cytogenetic location: 8q12.2.
Variant type: Duplication.
Coding change: c.7936dup on transcript NM_017780.4 (MANE Select); coding-DNA position 7936, one base duplicated (A; older notation c.7936dupA).
Protein change: p.Arg2646fs; shifts the reading frame from arginine 2646.
Molecular consequence: frameshift variant.
Genome position (GRCh38, 1-based): chr8:60,862,301, A duplicated; the last of 3 consecutive A bases (chr8:60,862,299-60,862,301); duplicating any one gives the same sequence. VCF-style (leftmost placement, unchanged base first): chr8-60862298-G-GA. GRCh37 (hg19) VCF-style: chr8-61774857-G-GA.
Other names: c.1789dup, p.Arg597fs (NM_001316690.1); short protein forms R2646fs, R597fs.
Identifiers: ClinVar variation 1450001 (VCV001450001.6), dbSNP rs2129721609, ClinGen allele CA2573143265.
Genomic context (GRCh38, chr8:60,862,298, plus strand): 5'-CAGAAACGACATAGATGTCGAAACCCTAATAAATTGGATATAAACACTTTGACAGGAGAA[G>GA]AAAGGGTGCCTGTTGTCAATAAACGAAATGGGAAGAAGGTAAACGCTGGGAAAGGGAATT-3'

ClinVar aggregate classification (germline): Pathogenic (1 of 4 stars; one submission).

Conditions:
CHARGE syndrome (CHARGE). Also called: Coloboma, heart anomaly, choanal atresia, retardation, genital and ear anomalies; CHARGE association; Hall-Hittner syndrome; Hittner Hirsch Kreh syndrome; CHARGE ASSOCIATION--COLOBOMA, HEART ANOMALY, CHOANAL ATRESIA, RETARDATION, GENITAL AND EAR ANOMALIES. Identifiers: Orphanet 138, MedGen C0265354, MONDO:0008965.

Submission:

Labcorp Genetics (formerly Invitae), Labcorp
Classification: Pathogenic for CHARGE syndrome. Last evaluated: 2020-11-25. Review status: criteria provided, single submitter. Criteria: Invitae Variant Classification Sherloc (09022015). Collection method: clinical testing. Allele origin: germline.
Comment: For these reasons, this variant has been classified as Pathogenic. This variant has not been reported in the literature in individuals with CHD7-related conditions. This variant is not present in population databases (ExAC no frequency). This sequence change creates a premature translational stop signal (p.Arg2646Lysfs*7) in the CHD7 gene. It is expected to result in an absent or disrupted protein product. Loss-of-function variants in CHD7 are known to be pathogenic (PMID: 22461308, 25077900).

Literature cited by the submitters: PubMed 22461308; PubMed 25077900.